The following is an entry in ClinVar:

ClinVar aggregate classification (germline): Uncertain significance (1 of 4 stars; one submission).

Conditions:
Paget disease of bone 2, early-onset (PDB2). Also called: Paget disease of bone 2. Identifiers: MedGen C4085251, MONDO:0011183, OMIM 602080.
Frontotemporal dementia and/or amyotrophic lateral sclerosis 1 (FTDALS1). Also called: C9orf72 Frontotemporal Dementia and/or Amyotrophic Lateral Sclerosis; Frontotemporal dementia with motor neuron disease 1. Identifiers: Orphanet 275872, MedGen C5779877, MONDO:0007105, OMIM 105550.

Submission:

Labcorp Genetics (formerly Invitae), Labcorp
Classification: Uncertain significance for Paget disease of bone 2, early-onset; Frontotemporal dementia and/or amyotrophic lateral sclerosis 1. Last evaluated: 2025-07-27. Review status: criteria provided, single submitter. Criteria: Invitae Variant Classification Sherloc (09022015). Collection method: clinical testing. Allele origin: germline.
Comment: This sequence change replaces glutamine, which is neutral and polar, with histidine, which is basic and polar, at codon 357 of the SQSTM1 protein (p.Gln357His). This variant is not present in population databases (gnomAD no frequency). This variant has not been reported in the literature in individuals affected with SQSTM1-related conditions. ClinVar contains an entry for this variant (Variation ID: 2157881). Invitae Evidence Modeling of protein sequence and biophysical properties (such as structural, functional, and spatial information, amino acid conservation, physicochemical variation, residue mobility, and thermodynamic stability) indicates that this missense variant is not expected to disrupt SQSTM1 protein function with a negative predictive value of 80%. In summary, the available evidence is currently insufficient to determine the role of this variant in disease. Therefore, it has been classified as a Variant of Uncertain Significance.

NM_003900.5(SQSTM1):c.1071G>T (p.Gln357His)

Gene: SQSTM1 (sequestosome 1; plus strand). Cytogenetic location: 5q35.3.
Variant type: single nucleotide variant.
Coding change: c.1071G>T on transcript NM_003900.5 (MANE Select); coding-DNA position 1071, G replaced by T.
Protein change: p.Gln357His; replaces glutamine 357 with histidine.
Molecular consequence: missense variant.
Genome position (GRCh38, 1-based): chr5:179,833,688, G>T. VCF-style: chr5-179833688-G-T. GRCh37 (hg19) VCF-style: chr5-179260688-G-T.
Other names: c.819G>T, p.Gln273His (NM_001142298.2, NM_001142299.2); short protein forms Q273H, Q357H.
Identifiers: ClinVar variation 2157881 (VCV002157881.4), dbSNP rs921466707, ClinGen allele CA362452739.
Genomic context (GRCh38, chr5:179,833,688, plus strand): 5'-CTGGACCCATCTGTCTTCAAAAGAAGTGGACCCGTCTACAGGTGAACTCCAGTCCCTACA[G>T]ATGCCAGAATCCGAAGGGCCAAGCTCTCTGGACCCCTCCCAGGAGGGACCCACAGGGCTG-3'
Protein context (NP_003891.1, residues 347-367): DPSTGELQSL[Gln357His]MPESEGPSSL